The following is an entry in ClinVar:

ClinVar aggregate classification (germline): Uncertain significance. Review status: criteria provided, multiple submitters, no conflicts (2 of 4 stars). 3 submissions from 3 submitters: Uncertain significance (2). 1 of the submissions does not count toward it. Last evaluated 2025-06-10.

Conditions:
VAV1-related disorder. Also called: VAV1-related condition.

Allele frequency attached by ClinVar (database versions not stated): ExAC 0.00001; gnomAD 0.00003 and 0.00004; gnomAD exomes 0.00003 and 0.00005; TOPMed 0.00005.
gnomAD v4.1: 46 of 1,613,862 alleles (0.0029%); highest among the groups gnomAD compares: Middle Eastern, 0.12%; no homozygotes.

Submissions (3):

Labcorp Genetics (formerly Invitae), Labcorp
Classification: Uncertain significance. Last evaluated: 2025-06-10. Review status: criteria provided, single submitter. Criteria: Invitae Variant Classification Sherloc (09022015). Collection method: clinical testing. Allele origin: germline.
Comment: This sequence change replaces lysine, which is basic and polar, with threonine, which is neutral and polar, at codon 804 of the VAV1 protein (p.Lys804Thr). This variant is present in population databases (rs777550036, gnomAD 0.02%). This variant has not been reported in the literature in individuals affected with VAV1-related conditions. ClinVar contains an entry for this variant (Variation ID: 1355619). An algorithm developed to predict the effect of missense changes on protein structure and function (PolyPhen-2) suggests that this variant is likely to be disruptive. In summary, the available evidence is currently insufficient to determine the role of this variant in disease. Therefore, it has been classified as a Variant of Uncertain Significance.

Breakthrough Genomics
Classification: Uncertain significance. Review status: criteria provided, single submitter. Criteria: ACMG Guidelines, 2015. Collection method: not provided. Allele origin: germline. Inheritance: Unknown mechanism. Affected: yes.

PreventionGenetics, part of Exact Sciences
Classification: Uncertain significance for VAV1-related condition. Last evaluated: 2024-09-11. Review status: no assertion criteria provided. Collection method: clinical testing. Allele origin: germline. Not counted in ClinVar's aggregate classification.
Comment: The VAV1 c.2411A>C variant is predicted to result in the amino acid substitution p.Lys804Thr. To our knowledge, this variant has not been reported in the literature. This variant is reported in 0.023% of alleles in individuals of Latino descent in gnomAD, which may be too common to be causative. Although we suspect that this variant may be benign, at this time, the clinical significance of this variant is uncertain due to the absence of conclusive functional and genetic evidence.

NM_005428.4(VAV1):c.2411A>C (p.Lys804Thr)

Gene: VAV1 (vav guanine nucleotide exchange factor 1; plus strand). Cytogenetic location: 19p13.3.
Variant type: single nucleotide variant.
Coding change: c.2411A>C on transcript NM_005428.4 (MANE Select); coding-DNA position 2411, A replaced by C.
Protein change: p.Lys804Thr; replaces lysine 804 with threonine.
Molecular consequence: missense variant.
Genome position (GRCh38, 1-based): chr19:6,854,025, A>C. VCF-style: chr19-6854025-A-C. GRCh37 (hg19) VCF-style: chr19-6854036-A-C.
Other names: c.2345A>C, p.Lys782Thr (NM_001258206.2); c.2315A>C, p.Lys772Thr (NM_001258207.2); c.2411A>C (NM_005428.3); short protein forms K782T, K772T, K804T.
Identifiers: ClinVar variation 1355619 (VCV001355619.8), dbSNP rs777550036, ClinGen allele CA9132955.
Genomic context (GRCh38, chr19:6,854,025, plus strand): 5'-TTGGCACAGCCAAAGCCCGCTATGACTTCTGCGCCCGAGACCGATCAGAGCTGTCGCTCA[A>C]GGAGGGTGACATCATCAAGATCCTTAACAAGAAGGGACAGCAAGGCTGGTGGCGAGGGGA-3'
Protein context (NP_005419.2, residues 794-814): CARDRSELSL[Lys804Thr]EGDIIKILNK